The following continues an entry in ClinVar:

NM_001127178.3(PIGG):c.1515G>A (p.Trp505Ter)

Gene: PIGG. ClinVar aggregate classification (germline): Pathogenic/Likely pathogenic. Pathogenic (13); Likely pathogenic (3).

Submissions 14 to 22 of 22:

Victorian Clinical Genetics Services, Murdoch Childrens Research Institute
Classification: Pathogenic for Intellectual disability, autosomal recessive 53. Last evaluated: 2022-02-02. Review status: criteria provided, single submitter. Criteria: ACMG Guidelines, 2015. Collection method: clinical testing. Allele origin: germline. Inheritance: Autosomal recessive inheritance. Affected: yes.
Comment: Based on the classification scheme VCGS_Germline_v1.3.4, this variant is classified as Pathogenic. Following criteria are met: 0102 - Loss of function is a known mechanism of disease in this gene and is associated with autosomal recessive intellectual disability 53 (MIM#616917). (I) 0106 - This gene is associated with autosomal recessive disease. (I) 0201 - Variant is predicted to cause nonsense-mediated decay (NMD) and loss of protein (premature termination codon is located at least 54 nucleotides upstream of the final exon-exon junction). (SP) 0253 - This variant is hemizygous. (I) 0304 - Variant is present in gnomAD (v2) <0.01 for a recessive condition (186 heterozygotes, 0 homozygotes), however there is 1 homozygote present in gnomAD v3. (SP) 0701 - Other NMD-predicted variants comparable to the one identified in this case have very strong previous evidence for pathogenicity. Many other variants predicted to result in a loss of function have previously been reported in individuals with autosomal recessive intellectual disability 53 (MIM#616917) (ClinVar, DECIPHER). (SP) 0801 - This variant has strong previous evidence of pathogenicity in unrelated individuals. The variant has previously been reported as pathogenic in at least five individuals with autosomal recessive intellectual disability 53 (MIM#616917) (ClinVar). (SP) 1208 - Inheritance information for this variant is not currently available in this individual. (I) Legend: (SP) - Supporting pathogenic, (I) - Information, (SB) - Supporting benign

Fulgent Genetics
Classification: Pathogenic for Intellectual disability, autosomal recessive 53; BLOOD GROUP, EMM SYSTEM. Last evaluated: 2021-09-20. Review status: criteria provided, single submitter. Criteria: ACMG Guidelines, 2015. Collection method: clinical testing. Allele origin: unknown.

Baylor Genetics
Classification: Pathogenic for Intellectual disability, autosomal recessive 53. Last evaluated: 2020-06-18. Review status: criteria provided, single submitter. Criteria: ACMG Guidelines, 2015. Collection method: clinical testing. Allele origin: unknown. Affected: yes.
Comment: This variant was determined to be pathogenic according to ACMG Guidelines, 2015 [PMID:25741868].

Clinical Genetics Service, Universitary Hospital 12 de Octubre
Classification: Pathogenic for Intellectual disability, autosomal recessive 53. Last evaluated: 2026-08-26. Review status: no assertion criteria provided. Collection method: clinical testing. Allele origin: biparental. Inheritance: Autosomal recessive inheritance. Affected: yes. Observed: 4 variant alleles, 2 compound heterozygotes, 2 homozygotes. Not counted in ClinVar's aggregate classification.
Comment: The c.1515G>A variant in PIGG (rs150259543) introduces a premature termination codon, p.(Trp505Ter), and is predicted to result in truncation of approximately 51% of the protein. Loss of function is an established disease mechanism for PIGG-related disease (PMID: 39444079). This variant is present in population databases, with 1,719 heterozygous carriers and 2 homozygous individuals reported among more than 800,000 individuals in gnomAD, corresponding to an allele frequency of approximately 0.1103%. This relatively high population frequency may be explained by the mild and variable phenotypes previously reported in homozygous individuals carrying this variant, including isolated febrile seizures (PMID: 34113002) and autism spectrum disorder (PMID: 33921431). Functional studies have shown that p.(Trp505Ter) retains residual PIGG enzymatic activity, likely due to preserved transcript expression/read-through, distinguishing it from complete loss-of-function alleles (PMID: 39444079, 34113002, 26996948). In our internal database, the variant has been identified both in homozygosity and in compound heterozygosity in affected individuals (two separate families). Taken together, the predicted truncating effect, the established loss-of-function mechanism, published affected individuals, functional evidence supporting impaired but residual activity, multiple ClinVar submissions, and internal observations in affected patients support classification of this variant as pathogenic.

Molecular Genetics Laboratory, BC Children's and BC Women's Hospitals
Classification: Pathogenic for Intellectual disability, autosomal recessive 53. Last evaluated: 2025-10-20. Review status: no assertion criteria provided. Criteria: ACMG Guidelines, 2015. Collection method: clinical testing. Allele origin: paternal. Affected: yes. Not counted in ClinVar's aggregate classification.

Clinical Genetics DNA and cytogenetics Diagnostics Lab, Erasmus MC, Erasmus Medical Center
Classification: Likely pathogenic. Review status: no assertion criteria provided. Collection method: clinical testing. Allele origin: germline. Affected: yes. Study: VKGL Data-share Consensus. Not counted in ClinVar's aggregate classification.

Department of Pathology and Laboratory Medicine, Sinai Health System
Classification: Pathogenic. Review status: no assertion criteria provided. Collection method: clinical testing. Allele origin: unknown. Affected: yes. Study: The Canadian Open Genetics Repository (COGR). Not counted in ClinVar's aggregate classification.

Genome Diagnostics Laboratory, University Medical Center Utrecht
Classification: Pathogenic. Review status: no assertion criteria provided. Collection method: clinical testing. Allele origin: germline. Affected: yes. Study: VKGL Data-share Consensus. Not counted in ClinVar's aggregate classification.

Joint Genome Diagnostic Labs from Nijmegen and Maastricht, Radboudumc and MUMC+
Classification: Likely pathogenic. Review status: no assertion criteria provided. Collection method: clinical testing. Allele origin: germline. Affected: yes. Study: VKGL Data-share Consensus. Not counted in ClinVar's aggregate classification.

Literature cited by the submitters: PubMed 31440721 (cited by Mayo Clinic Laboratories, Mayo Clinic); PubMed 34113002 (cited by 4 submitters); PubMed 38456468 (cited by Mayo Clinic Laboratories, Mayo Clinic and Ambry Genetics); PubMed 39444079 (cited by 3 submitters); PubMed 26996948 (cited by Labcorp Genetics (formerly Invitae), Labcorp and Clinical Genetics Service, Universitary Hospital 12 de Octubre); PubMed 28581210 (cited by Labcorp Genetics (formerly Invitae), Labcorp); PubMed 28771251 (cited by Labcorp Genetics (formerly Invitae), Labcorp); PubMed 31980526 (cited by Women's Health and Genetics/Laboratory Corporation of America, LabCorp); PubMed 33921431 (cited by Women's Health and Genetics/Laboratory Corporation of America, LabCorp and Clinical Genetics Service, Universitary Hospital 12 de Octubre).